The following is an entry in ClinVar:

ClinVar aggregate classification (germline): Conflicting classifications of pathogenicity. Review status: criteria provided, conflicting classifications (1 of 4 stars). 5 submissions from 4 submitters: Uncertain significance (4); Benign (1). Last evaluated 2025-11-24.

Conditions:
Aortic valve disease 1 (AOVD1). Identifiers: MedGen C3887892, MONDO:0024523, OMIM 109730.
Familial thoracic aortic aneurysm and aortic dissection (TAAD). Also called: Thoracic aortic aneurysms and dissections. Identifiers: Orphanet 91387, MedGen C4707243, MONDO:0019625.
Adams-Oliver syndrome 5 (AOS5). Identifiers: Orphanet 974, MedGen C4014970, MONDO:0014459, OMIM 616028.

Allele frequency attached by ClinVar (database versions not stated): ExAC 0.00003; gnomAD 0.00005 and 0.00006; TOPMed 0.00005; ESP Exome Variant Server 0.00008.
gnomAD v4.1: 56 of 1,611,486 alleles (0.0035%); highest among the groups gnomAD compares: Middle Eastern, 0.033%; no homozygotes.

Submissions (5):

Labcorp Genetics (formerly Invitae), Labcorp
Classification: Benign for Adams-Oliver syndrome 5. Last evaluated: 2025-11-24. Review status: criteria provided, single submitter. Criteria: Invitae Variant Classification Sherloc (09022015). Collection method: clinical testing. Allele origin: germline.

Ambry Genetics
Classification: Uncertain significance for Familial thoracic aortic aneurysm and aortic dissection. Last evaluated: 2025-01-05. Review status: criteria provided, single submitter. Criteria: Ambry Variant Classification Scheme 2023. Collection method: clinical testing. Allele origin: germline.
Comment: The p.V1750M variant (also known as c.5248G>A), located in coding exon 28 of the NOTCH1 gene, results from a G to A substitution at nucleotide position 5248. The valine at codon 1750 is replaced by methionine, an amino acid with highly similar properties. This variant was reported in individual(s) in a bicuspid aortic valve and thoracic aortic aneurysm cohort, but clinical details were limited (Gillis E et al. Front Physiol, 2017 Jun;8:400). This amino acid position is not well conserved in available vertebrate species. In addition, this alteration is predicted to be tolerated by in silico analysis. Based on the available evidence, the clinical significance of this variant remains unclear.

GeneDx
Classification: Uncertain significance. Last evaluated: 2024-04-15. Review status: criteria provided, single submitter. Criteria: GeneDx Variant Classification Process June 2021. Collection method: clinical testing. Allele origin: germline. Affected: yes.
Comment: Has not been previously published as pathogenic or benign to our knowledge; In silico analysis indicates that this missense variant does not alter protein structure/function

Genome-Nilou Lab
Classification: Uncertain significance for Adams-Oliver syndrome 5. Last evaluated: 2022-03-15. Review status: criteria provided, single submitter. Criteria: ACMG Guidelines, 2015. Collection method: clinical testing. Allele origin: germline. Affected: no.

Genome-Nilou Lab
Classification: Uncertain significance for Aortic valve disease 1. Last evaluated: 2022-03-15. Review status: criteria provided, single submitter. Criteria: ACMG Guidelines, 2015. Collection method: clinical testing. Allele origin: germline. Affected: no.

Literature cited by the submitters: PubMed 28659821 (cited by Ambry Genetics).

NM_017617.5(NOTCH1):c.5248G>A (p.Val1750Met)

Gene: NOTCH1 (notch receptor 1; minus strand). Cytogenetic location: 9q34.3.
Variant type: single nucleotide variant.
Coding change: c.5248G>A on transcript NM_017617.5 (MANE Select); coding-DNA position 5248, G replaced by A.
Protein change: p.Val1750Met; replaces valine 1750 with methionine.
Molecular consequence: missense variant.
Genome position (GRCh38, 1-based): chr9:136,502,408, C>T on the plus strand (G>A on the coding strand, the complement: NOTCH1 is on the minus strand). VCF-style: chr9-136502408-C-T. GRCh37 (hg19) VCF-style: chr9-139396860-C-T.
Other names: short protein forms V1750M.
Identifiers: ClinVar variation 860611 (VCV000860611.15), dbSNP rs368396893, ClinGen allele CA5340346.